The following is an entry in ClinVar:

NM_206933.4(USH2A):c.5877del (p.Ser1961fs)

Gene: USH2A (usherin; minus strand). Cytogenetic location: 1q41.
Variant type: Deletion.
Coding change: c.5877del on transcript NM_206933.4 (MANE Select); coding-DNA position 5877, one base deleted (T; older notation c.5877delT).
Protein change: p.Ser1961fs; shifts the reading frame from serine 1961.
Molecular consequence: frameshift variant.
Genome position (GRCh38, 1-based): chr1:216,070,273, A deleted on the plus strand (T on the coding strand, the reverse complement: USH2A is on the minus strand). VCF-style (leftmost placement, unchanged base first): chr1-216070272-GA-G. GRCh37 (hg19) VCF-style: chr1-216243614-GA-G.
Other names: c.5877del (NM_206933.2); short protein forms S1961fs.
Identifiers: ClinVar variation 180092 (VCV000180092.65), dbSNP rs727505343, ClinGen allele CA273678.

ClinVar aggregate classification (germline): Pathogenic/Likely pathogenic. Review status: criteria provided, multiple submitters, no conflicts (2 of 4 stars). 14 submissions from 12 submitters: Pathogenic (8); Likely pathogenic (4). 2 of the submissions do not count toward it. Last evaluated 2025-09-28.

Conditions:
Rare genetic deafness. Identifiers: Orphanet 96210, MedGen C5680250.
Usher syndrome type 2. Also called: Usher Syndrome Type II. Identifiers: Orphanet 231178, MedGen C0339534, MONDO:0016484.
USH2A-related disorder. Also called: USH2A-related condition; USH2A-related disorders. Identifiers: MedGen CN239332.
Usher syndrome type 2A. Also called: USHER SYNDROME, TYPE IIA; RETINAL DISEASE IN USHER SYNDROME TYPE IIA, MODIFIER OF. Identifiers: Orphanet 231178, Orphanet 886, MedGen C1848634, MONDO:0010169, OMIM 276901.
Retinitis pigmentosa 39 (RP39). Identifiers: Orphanet 791, MedGen C3151138, MONDO:0013436, OMIM 613809.

Allele frequency attached by ClinVar (database versions not stated): gnomAD exomes below 0.00001; ESP Exome Variant Server 0.00008.

Submissions (14):

Natera, Inc.
Classification: Likely pathogenic for Usher syndrome type 2A. Last evaluated: 2025-09-28. Review status: criteria provided, single submitter. Criteria: Natera Variant Classification Schema (03/2026). Collection method: clinical testing. Allele origin: germline.
Comment: The c.5877del variant in USH2A is a frameshift variant predicted to shift the reading frame beginning at codon 1961 and leads to a stop codon 6 codons downstream. This variant is expected to result in nonsense mediated decay, truncation, or a dysfunctional protein product. This variant is rare in the general population with a frequency below the threshold expected for the associated phenotype(s). Given the available evidence, this variant is classified as Likely Pathogenic.

Labcorp Genetics (formerly Invitae), Labcorp
Classification: Pathogenic. Last evaluated: 2024-04-25. Review status: criteria provided, single submitter. Criteria: Invitae Variant Classification Sherloc (09022015). Collection method: clinical testing. Allele origin: germline.
Comment: This sequence change creates a premature translational stop signal (p.Ser1961Glnfs*6) in the USH2A gene. It is expected to result in an absent or disrupted protein product. Loss-of-function variants in USH2A are known to be pathogenic (PMID: 10729113, 10909849, 20507924, 25649381). This variant is not present in population databases (gnomAD no frequency). This premature translational stop signal has been observed in individual(s) with inherited retinal degeneration (PMID: 32531858). ClinVar contains an entry for this variant (Variation ID: 180092). For these reasons, this variant has been classified as Pathogenic.

CeGaT Center for Human Genetics Tuebingen
Classification: Pathogenic. Last evaluated: 2024-04-01. Review status: criteria provided, single submitter. Criteria: CeGaT Center For Human Genetics Tuebingen Variant Classification Criteria Version 2. Collection method: clinical testing. Allele origin: germline. Affected: yes. Observed: 8 variant alleles.
Comment: USH2A: PVS1, PM2

Genome-Nilou Lab
Classification: Likely pathogenic for Retinitis pigmentosa 39. Last evaluated: 2023-11-04. Review status: criteria provided, single submitter. Criteria: ACMG Guidelines, 2015. Collection method: clinical testing. Allele origin: germline. Affected: no.

Genome-Nilou Lab
Classification: Likely pathogenic for Usher syndrome type 2A. Last evaluated: 2023-11-04. Review status: criteria provided, single submitter. Criteria: ACMG Guidelines, 2015. Collection method: clinical testing. Allele origin: germline. Affected: no.

Baylor Genetics
Classification: Pathogenic for Retinitis pigmentosa 39. Last evaluated: 2023-09-13. Review status: criteria provided, single submitter. Criteria: ACMG Guidelines, 2015. Collection method: clinical testing. Allele origin: unknown.

Blueprint Genetics
Classification: Pathogenic for USH2A-related disorders. Last evaluated: 2022-02-25. Review status: criteria provided, single submitter. Criteria: ACMG Guidelines, 2015. Collection method: clinical testing. Allele origin: germline. Affected: yes. Observed: 4 variant alleles.

Fulgent Genetics
Classification: Likely pathogenic for Usher syndrome type 2A; Retinitis pigmentosa 39. Last evaluated: 2021-07-16. Review status: criteria provided, single submitter. Criteria: ACMG Guidelines, 2015. Collection method: clinical testing. Allele origin: unknown.

GeneDx
Classification: Pathogenic. Last evaluated: 2021-02-02. Review status: criteria provided, single submitter. Criteria: GeneDx Variant Classification Process June 2021. Collection method: clinical testing. Allele origin: germline. Affected: yes.
Comment: Frameshift variant predicted to result in protein truncation or nonsense mediated decay in a gene for which loss-of-function is a known mechanism of disease; Not observed in large population cohorts (Lek et al., 2016); Has not been previously published as pathogenic or benign to our knowledge

Molecular Genetics Laboratory, Institute for Ophthalmic Research
Classification: Pathogenic for Usher syndrome type 2. Last evaluated: 2020-01-09. Review status: criteria provided, single submitter. Criteria: ACMG Guidelines, 2015. Collection method: research. Allele origin: germline. Affected: yes.

Eurofins Ntd Llc (ga)
Classification: Pathogenic. Last evaluated: 2016-10-04. Review status: criteria provided, single submitter. Criteria: EGL Classification Definitions 2015. Collection method: clinical testing. Allele origin: germline. Observed: 1 variant allele, 1 heterozygote.

Laboratory for Molecular Medicine, Mass General Brigham Personalized Medicine
Classification: Pathogenic for Rare genetic deafness. Last evaluated: 2016-01-04. Review status: criteria provided, single submitter. Criteria: LMM Criteria. Collection method: clinical testing. Allele origin: germline. Inheritance: Autosomal recessive inheritance. Observed: 4 variant alleles.
Comment: It has also been identified in 1/8254 of Europe an American chromosomes by the NHLBI Exome Sequencing Project; however, its frequency is low enough to be consistent with a recessive carrier frequency. The variant is predicted to cause a frameshift, whi ch alters the protein?s amino acid sequence beginning at position 1961 and leads to a premature termination codon 6 amino acids downstream. This alteration is t hen predicted to lead to a truncated or absent protein. In summary, this variant meets our criteria to be classified as pathogenic for Usher syndrome in an auto somal recessive manner.

Counsyl
Classification: Likely pathogenic for Usher syndrome type 2A. Last evaluated: 2016-07-22. Review status: no assertion criteria provided. Collection method: clinical testing. Allele origin: unknown. Not counted in ClinVar's aggregate classification.

Counsyl
Classification: Likely pathogenic for Retinitis pigmentosa 39. Last evaluated: 2016-07-22. Review status: no assertion criteria provided. Collection method: clinical testing. Allele origin: unknown. Not counted in ClinVar's aggregate classification.

Literature cited by the submitters: PubMed 10729113 (cited by Labcorp Genetics (formerly Invitae), Labcorp); PubMed 10909849 (cited by Labcorp Genetics (formerly Invitae), Labcorp); PubMed 20507924 (cited by Labcorp Genetics (formerly Invitae), Labcorp); PubMed 25649381 (cited by Labcorp Genetics (formerly Invitae), Labcorp); PubMed 32531858 (cited by Labcorp Genetics (formerly Invitae), Labcorp).